The following is an entry in ClinVar:

NM_004958.4(MTOR):c.3153G>A (p.Thr1051=)

Gene: MTOR (mechanistic target of rapamycin kinase; minus strand). Cytogenetic location: 1p36.22.
Variant type: single nucleotide variant.
Coding change: c.3153G>A on transcript NM_004958.4 (MANE Select); coding-DNA position 3153, G replaced by A.
Protein change: p.Thr1051=; no amino-acid change (threonine 1051 retained).
Molecular consequence: synonymous variant.
Genome position (GRCh38, 1-based): chr1:11,213,531, C>T on the plus strand (G>A on the coding strand, the complement: MTOR is on the minus strand). VCF-style: chr1-11213531-C-T. GRCh37 (hg19) VCF-style: chr1-11273588-C-T.
Identifiers: ClinVar variation 696546 (VCV000696546.38), dbSNP rs147272284, ClinGen allele CA590292.

ClinVar aggregate classification (germline): Benign/Likely benign. Review status: criteria provided, multiple submitters, no conflicts (2 of 4 stars). 4 submissions from 4 submitters: Benign (2); Likely benign (2). Last evaluated 2026-10-01.

Allele frequency attached by ClinVar (database versions not stated): gnomAD exomes 0.00004 and 0.00014; ExAC 0.00018; ESP Exome Variant Server 0.00046; 1000 Genomes Project 30x 0.00047; TOPMed 0.00050; gnomAD 0.00051 and 0.00055; 1000 Genomes Project 0.00060.
gnomAD v4.1: 150 of 1,614,026 alleles (0.0093%); highest among the groups gnomAD compares: African/African-American, 0.16%; no homozygotes.

Submissions (4):

CeGaT Center for Human Genetics Tuebingen
Classification: Likely benign. Last evaluated: 2026-10-01. Review status: criteria provided, single submitter. Criteria: CeGaT Center For Human Genetics Tuebingen Variant Classification Criteria Version 2. Collection method: clinical testing. Allele origin: germline. Affected: yes. Observed: 2 variant alleles.
Comment: MTOR: BP4, BP7, BS1

Labcorp Genetics (formerly Invitae), Labcorp
Classification: Benign. Last evaluated: 2026-01-25. Review status: criteria provided, single submitter. Criteria: Invitae Variant Classification Sherloc (09022015). Collection method: clinical testing. Allele origin: germline.

Blueprint Genetics
Classification: Likely benign. Last evaluated: 2024-07-05. Review status: criteria provided, single submitter. Criteria: ACMG Guidelines, 2015. Collection method: clinical testing. Allele origin: germline.

GeneDx
Classification: Benign. Last evaluated: 2020-10-13. Review status: criteria provided, single submitter. Criteria: GeneDx Variant Classification Process June 2021. Collection method: clinical testing. Allele origin: germline. Affected: yes.